The following is an entry in ClinVar:

ClinVar aggregate classification (germline): Uncertain significance. Review status: criteria provided, multiple submitters, no conflicts (2 of 4 stars). 2 submissions from 2 submitters: Uncertain significance (2). Last evaluated 2023-05-30.

Conditions:
Inborn genetic diseases. Identifiers: MedGen C0950123, MeSH D030342.

Allele frequency attached by ClinVar (database versions not stated): gnomAD exomes below 0.00001; gnomAD 0.00001.
gnomAD v4.1: 6 of 1,593,946 alleles (0.00038%); highest among the groups gnomAD compares: Non-Finnish European, 0.00043%; no homozygotes.

Submissions (2):

Ambry Genetics
Classification: Uncertain significance for Inborn genetic diseases. Last evaluated: 2023-05-30. Review status: criteria provided, single submitter. Criteria: Ambry Variant Classification Scheme 2023. Collection method: clinical testing. Allele origin: germline.

Labcorp Genetics (formerly Invitae), Labcorp
Classification: Uncertain significance. Last evaluated: 2022-12-19. Review status: criteria provided, single submitter. Criteria: Invitae Variant Classification Sherloc (09022015). Collection method: clinical testing. Allele origin: germline.
Comment: In summary, the available evidence is currently insufficient to determine the role of this variant in disease. Therefore, it has been classified as a Variant of Uncertain Significance. Advanced modeling of protein sequence and biophysical properties (such as structural, functional, and spatial information, amino acid conservation, physicochemical variation, residue mobility, and thermodynamic stability) performed at Invitae indicates that this missense variant is expected to disrupt TRIP4 protein function. This variant has not been reported in the literature in individuals affected with TRIP4-related conditions. This variant is present in population databases (no rsID available, gnomAD 0.007%). This sequence change replaces glycine, which is neutral and non-polar, with glutamic acid, which is acidic and polar, at codon 555 of the TRIP4 protein (p.Gly555Glu).

NM_016213.5(TRIP4):c.1664G>A (p.Gly555Glu)

Genes: TRIP4 (thyroid hormone receptor interactor 4; plus strand), LOC126862156 (MED14-independent group 3 enhancer GRCh37_chr15:64736443-64737642; plus strand). Cytogenetic location: 15q22.31.
Variant type: single nucleotide variant.
Coding change: c.1664G>A on transcript NM_016213.5 (MANE Select); coding-DNA position 1664, G replaced by A.
Protein change: p.Gly555Glu; replaces glycine 555 with glutamic acid.
Molecular consequence: missense variant. On other transcripts: non-coding transcript variant (1).
Genome position (GRCh38, 1-based): chr15:64,445,094, G>A. VCF-style: chr15-64445094-G-A. GRCh37 (hg19) VCF-style: chr15-64737293-G-A.
Other names: c.974G>A, p.Gly325Glu (NM_001321924.2); short protein forms G325E, G555E.
Identifiers: ClinVar variation 2553161 (VCV002553161.5), dbSNP rs1469985986, ClinGen allele CA392825805.